The following is an entry in ClinVar:

ClinVar aggregate classification (germline): Uncertain significance. Review status: criteria provided, multiple submitters, no conflicts (2 of 4 stars). 3 submissions from 3 submitters: Uncertain significance (3). Last evaluated 2025-08-30.

Conditions:
Breast-ovarian cancer, familial, susceptibility to, 1 (BROVCA1). Also called: BRCA1 Hereditary Breast and Ovarian Cancer; OVARIAN CANCER, SUSCEPTIBILITY TO. Identifiers: Orphanet 145, MedGen C2676676, MONDO:0011450, OMIM 604370. Disease mechanism: loss of function.
Hereditary breast ovarian cancer syndrome. Also called: Breast and ovarian cancer; Hereditary breast and ovarian cancer syndrome; Hereditary breast and ovarian cancer; Hereditary breast and/or ovarian cancer syndrome; BRCA1- and BRCA2-Associated Hereditary Breast and Ovarian Cancer; Hereditary breast and ovarian cancer syndrome (HBOC). Identifiers: Orphanet 145, MedGen C0677776, MeSH D061325, MONDO:0003582. Disease mechanism: loss of function.
Hereditary cancer-predisposing syndrome. Also called: Neoplastic Syndromes, Hereditary; Tumor predisposition; Hereditary Cancer Syndrome; Hereditary neoplastic syndrome. Identifiers: Orphanet 140162, MedGen C0027672, MeSH D009386, MONDO:0015356.

Submissions (3):

Ambry Genetics
Classification: Uncertain significance for Hereditary cancer-predisposing syndrome. Last evaluated: 2025-08-30. Review status: criteria provided, single submitter. Criteria: Ambry Variant Classification Scheme 2023. Collection method: clinical testing. Allele origin: germline.
Comment: The p.A194T variant (also known as c.580G>A), located in coding exon 7 of the BRCA1 gene, results from a G to A substitution at nucleotide position 580. The alanine at codon 194 is replaced by threonine, an amino acid with similar properties. This amino acid position is not well conserved in available vertebrate species. In addition, this alteration is predicted to be deleterious by in silico analysis. Since supporting evidence is limited at this time, the clinical significance of this alteration remains unclear.

Labcorp Genetics (formerly Invitae), Labcorp
Classification: Uncertain significance for Hereditary breast ovarian cancer syndrome. Last evaluated: 2023-05-20. Review status: criteria provided, single submitter. Criteria: Invitae Variant Classification Sherloc (09022015). Collection method: clinical testing. Allele origin: germline.
Comment: This sequence change replaces alanine, which is neutral and non-polar, with threonine, which is neutral and polar, at codon 194 of the BRCA1 protein (p.Ala194Thr). This variant is not present in population databases (gnomAD no frequency). This variant has not been reported in the literature in individuals affected with BRCA1-related conditions. ClinVar contains an entry for this variant (Variation ID: 1285455). Advanced modeling of protein sequence and biophysical properties (such as structural, functional, and spatial information, amino acid conservation, physicochemical variation, residue mobility, and thermodynamic stability) performed at Invitae indicates that this missense variant is not expected to disrupt BRCA1 protein function. In summary, the available evidence is currently insufficient to determine the role of this variant in disease. Therefore, it has been classified as a Variant of Uncertain Significance.

Institute of Human Genetics, University of Leipzig Medical Center
Classification: Uncertain significance for Breast-ovarian cancer, familial, susceptibility to, 1. Last evaluated: 2020-11-13. Review status: criteria provided, single submitter. Criteria: ACMG Guidelines, 2015. Collection method: clinical testing. Allele origin: unknown. Affected: yes.

NM_007294.4(BRCA1):c.580G>A (p.Ala194Thr)

Gene: BRCA1 (BRCA1 DNA repair associated; minus strand). Cytogenetic location: 17q21.31.
Variant type: single nucleotide variant.
Coding change: c.580G>A on transcript NM_007294.4 (MANE Select); coding-DNA position 580, G replaced by A.
Protein change: p.Ala194Thr; replaces alanine 194 with threonine.
Molecular consequence: missense variant. On other transcripts: non-coding transcript variant (1).
Genome position (GRCh38, 1-based): chr17:43,097,257, C>T on the plus strand (G>A on the coding strand, the complement: BRCA1 is on the minus strand). VCF-style: chr17-43097257-C-T. GRCh37 (hg19) VCF-style: chr17-41249274-C-T.
Other names: c.367G>A, p.Ala123Thr (NM_001407571.1, NM_001407853.1, NM_001407894.1 and 12 more transcripts); c.580G>A, p.Ala194Thr (NM_001407581.1, NM_001407582.1, NM_001407583.1 and 59 more transcripts); c.577G>A, p.Ala193Thr (NM_001407587.1, NM_001407590.1, NM_001407591.1 and 41 more transcripts); c.571G>A, p.Ala191Thr (NM_001407646.1, NM_001407647.1, NM_001408408.1); c.502G>A, p.Ala168Thr (NM_001407653.1, NM_001407654.1, NM_001407655.1 and 9 more transcripts); c.499G>A, p.Ala167Thr (NM_001407659.1, NM_001407660.1, NM_001407661.1 and 3 more transcripts); c.439G>A, p.Ala147Thr (NM_001407692.1, NM_001407694.1, NM_001407695.1 and 43 more transcripts); c.436G>A, p.Ala146Thr (NM_001407740.1, NM_001407741.1, NM_001407742.1 and 26 more transcripts); and 4 more; short protein forms A147T, A194T, A123T, A193T, A66T, A146T, A191T, A67T.
Identifiers: ClinVar variation 1285455 (VCV001285455.8), dbSNP rs2154521204, ClinGen allele CA10600964.